The following is an entry in ClinVar:

NM_000489.6(ATRX):c.5782A>G (p.Thr1928Ala)

Gene: ATRX (ATRX chromatin remodeler; minus strand). Cytogenetic location: Xq21.1.
Variant type: single nucleotide variant.
Coding change: c.5782A>G on transcript NM_000489.6 (MANE Select); coding-DNA position 5782, A replaced by G.
Protein change: p.Thr1928Ala; replaces threonine 1928 with alanine.
Molecular consequence: missense variant.
Genome position (GRCh38, 1-based): chrX:77,599,736, T>C on the plus strand (A>G on the coding strand, the complement: ATRX is on the minus strand). VCF-style: chrX-77599736-T-C. GRCh37 (hg19) VCF-style: chrX-76855205-T-C.
Other names: c.5668A>G, p.Thr1890Ala (NM_138270.5); short protein forms T1890A, T1928A.
Identifiers: ClinVar variation 3027118 (VCV003027118.22), dbSNP rs2066604701, ClinGen allele CA413697898.

ClinVar aggregate classification (germline): Uncertain significance (1 of 4 stars; one submission).

Allele frequency attached by ClinVar (database versions not stated): gnomAD exomes below 0.00001; TOPMed 0.00001.
gnomAD v4.1: 1 of 1,206,514 alleles (0.000083%); highest among the groups gnomAD compares: African/African-American, 0.0017%; no homozygotes.

Submission:

CeGaT Center for Human Genetics Tuebingen
Classification: Uncertain significance. Last evaluated: 2024-01-01. Review status: criteria provided, single submitter. Criteria: CeGaT Center For Human Genetics Tuebingen Variant Classification Criteria Version 2. Collection method: clinical testing. Allele origin: germline. Affected: yes. Observed: 1 variant allele.
Comment: ATRX: PM2, PP2, BP4